The following is an entry in ClinVar:

NM_001103146.3(GIGYF2):c.59G>T (p.Ser20Ile)

Gene: GIGYF2 (GRB10 interacting GYF protein 2; plus strand). Cytogenetic location: 2q37.1.
Variant type: single nucleotide variant.
Coding change: c.59G>T on transcript NM_001103146.3 (MANE Select); coding-DNA position 59, G replaced by T.
Protein change: p.Ser20Ile; replaces serine 20 with isoleucine.
Molecular consequence: missense variant. On other transcripts: non-coding transcript variant (1).
Genome position (GRCh38, 1-based): chr2:232,747,632, G>T. VCF-style: chr2-232747632-G-T. GRCh37 (hg19) VCF-style: chr2-233612342-G-T.
Other names: c.59G>T, p.Ser20Ile (NM_001103147.2, NM_001103148.2, NM_015575.4); short protein forms S20I.
Identifiers: ClinVar variation 4891521 (VCV004891521.1).

ClinVar aggregate classification (germline): Uncertain significance (1 of 4 stars; one submission).

gnomAD v4.1: 10 of 1,614,012 alleles (0.00062%); highest among the groups gnomAD compares: Non-Finnish European, 0.00085%; no homozygotes.

Submission:

GeneDx
Classification: Uncertain significance. Last evaluated: 2022-10-25. Review status: criteria provided, single submitter. Criteria: GeneDx Variant Classification Process June 2021. Collection method: clinical testing. Allele origin: germline.
Comment: Not observed at significant frequency in large population cohorts (gnomAD); In silico analysis supports that this missense variant has a deleterious effect on protein structure/function; Has not been previously published as pathogenic or benign to our knowledge